The following is an entry in ClinVar:

NM_005445.4(SMC3):c.2413C>T (p.Arg805Cys)

Gene: SMC3 (structural maintenance of chromosomes 3; plus strand). Cytogenetic location: 10q25.2.
Variant type: single nucleotide variant.
Coding change: c.2413C>T on transcript NM_005445.4 (MANE Select); coding-DNA position 2413, C replaced by T.
Protein change: p.Arg805Cys; replaces arginine 805 with cysteine.
Molecular consequence: missense variant.
Genome position (GRCh38, 1-based): chr10:110,599,798, C>T. VCF-style: chr10-110599798-C-T. GRCh37 (hg19) VCF-style: chr10-112359556-C-T.
Other names: short protein forms R805C.
Identifiers: ClinVar variation 420044 (VCV000420044.3), dbSNP rs760111391, ClinGen allele CA5688172.

ClinVar aggregate classification (germline): Uncertain significance. Review status: criteria provided, single submitter (1 of 4 stars). 2 submissions from 2 submitters: Uncertain significance (1). 1 of the submissions does not count toward it. Last evaluated 2018-06-06.

Conditions:
Autism spectrum disorder. Also called: Autism spectrum disorders. Identifiers: MedGen C1510586, MeSH D000067877, MONDO:0005258.

Allele frequency attached by ClinVar (database versions not stated): gnomAD exomes below 0.00001; ExAC 0.00001.
gnomAD v4.1: 2 of 1,613,996 alleles (0.00012%); highest among the groups gnomAD compares: Non-Finnish European, 0.00017%; no homozygotes.

Submissions (2):

GeneDx
Classification: Uncertain significance. Last evaluated: 2018-06-06. Review status: criteria provided, single submitter. Criteria: GeneDx Variant Classification (06012015). Collection method: clinical testing. Allele origin: germline. Affected: yes.
Comment: The R805C variant in the SMC3 gene has been reported as one of two different de novo variants identified by whole exome sequencing in an individual with autism (Sanders et al., 2012). The R805C variant is not observed at a significant frequency in large population cohorts (Lek et al., 2016; 1000 Genomes Consortium et al., 2015; Exome Variant Server). The R805C variant is a non-conservative amino acid substitution, which is likely to impact secondary protein structure as these residues differ in polarity, charge, size and/or other properties. This substitution occurs at a position that is conserved across species, and in silico analysis predicts this variant is probably damaging to the protein structure/function. We interpret R805C as a variant of uncertain significance.

University of Washington Center for Mendelian Genomics, University of Washington
Classification: Likely pathogenic for Autism spectrum disorder. Review status: no assertion criteria provided. Collection method: research. Allele origin: de novo. Affected: yes. Not counted in ClinVar's aggregate classification.

Literature cited by the submitters: PubMed 30504930 (cited by University of Washington Center for Mendelian Genomics, University of Washington).